The following is an entry in ClinVar:

NM_006164.5(NFE2L2):c.1565T>C (p.Ile522Thr)

Gene: NFE2L2 (NFE2 like bZIP transcription factor 2; minus strand). Cytogenetic location: 2q31.2.
Variant type: single nucleotide variant.
Coding change: c.1565T>C on transcript NM_006164.5 (MANE Select); coding-DNA position 1565, T replaced by C.
Protein change: p.Ile522Thr; replaces isoleucine 522 with threonine.
Molecular consequence: missense variant.
Genome position (GRCh38, 1-based): chr2:177,231,038, A>G on the plus strand (T>C on the coding strand, the complement: NFE2L2 is on the minus strand). VCF-style: chr2-177231038-A-G. GRCh37 (hg19) VCF-style: chr2-178095766-A-G.
Other names: c.1517T>C, p.Ile506Thr (NM_001145412.3, NM_001313900.1, NM_001313901.1); c.1496T>C, p.Ile499Thr (NM_001145413.3); c.1475T>C, p.Ile492Thr (NM_001313902.2); c.1346T>C, p.Ile449Thr (NM_001313903.2); c.1265T>C, p.Ile422Thr (NM_001313904.1); short protein forms I422T, I499T, I506T, I449T, I492T, I522T.
Identifiers: ClinVar variation 5001493 (VCV005001493.1).

ClinVar aggregate classification (germline): Uncertain significance (1 of 4 stars; one submission).

Conditions:
NFE2L2-related disorder. Also called: NFE2L2-related condition.

gnomAD v4.1: 4 of 1,613,982 alleles (0.00025%); highest among the groups gnomAD compares: Non-Finnish European, 0.00025%; no homozygotes.

Submission:

PreventionGenetics, part of Exact Sciences
Classification: Uncertain significance for NFE2L2-related condition. Last evaluated: 2025-05-07. Review status: criteria provided, single submitter. Criteria: ACMG Guidelines, 2015. Collection method: clinical testing. Allele origin: germline.
Comment: The NFE2L2 c.1565T>C variant is predicted to result in the amino acid substitution p.Ile522Thr. To our knowledge, this variant has not been reported in the literature or in a large population database (gnomAD), indicating this variant is rare. At this time, the clinical significance of this variant is uncertain due to the absence of conclusive functional and genetic evidence.